The following is an entry in ClinVar:

ClinVar aggregate classification (germline): Uncertain significance. Review status: criteria provided, multiple submitters, no conflicts (2 of 4 stars). 2 submissions from 2 submitters: Uncertain significance (2). Last evaluated 2025-01-06.

Conditions:
Alstrom syndrome (ALMS). Identifiers: Orphanet 64, MedGen C0268425, MONDO:0008763, OMIM 203800.

gnomAD v4.1: 21 of 1,614,064 alleles (0.0013%); highest among the groups gnomAD compares: South Asian, 0.0033%; no homozygotes.

Submissions (2):

Labcorp Genetics (formerly Invitae), Labcorp
Classification: Uncertain significance for Alstrom syndrome. Last evaluated: 2025-01-06. Review status: criteria provided, single submitter. Criteria: Invitae Variant Classification Sherloc (09022015). Collection method: clinical testing. Allele origin: germline.
Comment: This sequence change replaces histidine, which is basic and polar, with arginine, which is basic and polar, at codon 3687 of the ALMS1 protein (p.His3687Arg). This variant is not present in population databases (gnomAD no frequency). This variant has not been reported in the literature in individuals affected with ALMS1-related conditions. ClinVar contains an entry for this variant (Variation ID: 1499431). Experimental studies and prediction algorithms are not available or were not evaluated, and the functional significance of this variant is currently unknown. In summary, the available evidence is currently insufficient to determine the role of this variant in disease. Therefore, it has been classified as a Variant of Uncertain Significance.

Blueprint Genetics
Classification: Uncertain significance. Last evaluated: 2019-08-22. Review status: criteria provided, single submitter. Criteria: ACMG Guidelines, 2015. Collection method: clinical testing. Allele origin: germline.

NM_001378454.1(ALMS1):c.11057A>G (p.His3686Arg)

Gene: ALMS1 (ALMS1 centrosome and basal body associated protein; plus strand). Cytogenetic location: 2p13.1.
Variant type: single nucleotide variant.
Coding change: c.11057A>G on transcript NM_001378454.1 (MANE Select); coding-DNA position 11057, A replaced by G.
Protein change: p.His3686Arg; replaces histidine 3686 with arginine.
Molecular consequence: missense variant.
Genome position (GRCh38, 1-based): chr2:73,572,934, A>G. VCF-style: chr2-73572934-A-G. GRCh37 (hg19) VCF-style: chr2-73800061-A-G.
Other names: c.11060A>G, p.His3687Arg (NM_015120.4); short protein forms H3687R, H3686R.
Identifiers: ClinVar variation 1499431 (VCV001499431.5), dbSNP rs912853018, ClinGen allele CA347287134.
Genomic context (GRCh38, chr2:73,572,934, plus strand): 5'-GACAACAGCAGAGAAATAAGCTTCAGAAAAAGAAGCGGTTTAAAAGCCTAGAGAAAAGCC[A>G]TAAAAATACAGGCGAGCTTAAAAAAAGCAAGGTGCTTTCTCATCATCGAGCTGGGAGGTC-3'
Protein context (NP_001365383.1, residues 3676-3696): KKRFKSLEKS[His3686Arg]KNTGELKKSK